The following is an entry in ClinVar:

NM_000038.6(APC):c.7223A>G (p.Asn2408Ser)

Gene: APC (APC regulator of Wnt signaling pathway; plus strand). Cytogenetic location: 5q22.2.
Variant type: single nucleotide variant.
Coding change: c.7223A>G on transcript NM_000038.6 (MANE Select); coding-DNA position 7223, A replaced by G.
Protein change: p.Asn2408Ser; replaces asparagine 2408 with serine.
Molecular consequence: missense variant.
Genome position (GRCh38, 1-based): chr5:112,842,817, A>G. VCF-style: chr5-112842817-A-G. GRCh37 (hg19) VCF-style: chr5-112178514-A-G.
Other names: c.7223A>G, p.Asn2408Ser (NM_001127510.3, NM_001354895.2); c.7169A>G, p.Asn2390Ser (NM_001127511.3); c.7277A>G, p.Asn2426Ser (NM_001354896.2); c.7253A>G, p.Asn2418Ser (NM_001354897.2); c.7148A>G, p.Asn2383Ser (NM_001354898.2); c.7139A>G, p.Asn2380Ser (NM_001354899.2); c.7100A>G, p.Asn2367Ser (NM_001354900.2); c.7046A>G, p.Asn2349Ser (NM_001354901.2); and 5 more; short protein forms N2390S, N2408S, N2125S, N2307S, N2367S, N2248S, N2317S, N2426S.
Identifiers: ClinVar variation 438888 (VCV000438888.15), dbSNP rs1554088139, ClinGen allele CA16037064.

ClinVar aggregate classification (germline): Uncertain significance. Review status: criteria provided, multiple submitters, no conflicts (2 of 4 stars). 3 submissions from 3 submitters: Uncertain significance (3). Last evaluated 2025-09-30.

Conditions:
Hereditary cancer-predisposing syndrome. Also called: Hereditary neoplastic syndrome; Hereditary Cancer Syndrome; Tumor predisposition; Neoplastic Syndromes, Hereditary. Identifiers: Orphanet 140162, MedGen C0027672, MeSH D009386, MONDO:0015356.
Familial adenomatous polyposis 1 (FAP1). Also called: POLYPOSIS, ADENOMATOUS INTESTINAL; FAMILIAL ADENOMATOUS POLYPOSIS 1, ATTENUATED. Identifiers: MedGen C2713442, MONDO:0021056, OMIM 175100. Disease mechanism: loss of function.

Submissions (3):

Labcorp Genetics (formerly Invitae), Labcorp
Classification: Uncertain significance for Familial adenomatous polyposis 1. Last evaluated: 2025-09-30. Review status: criteria provided, single submitter. Criteria: Invitae Variant Classification Sherloc (09022015). Collection method: clinical testing. Allele origin: germline.
Comment: This sequence change replaces asparagine, which is neutral and polar, with serine, which is neutral and polar, at codon 2408 of the APC protein (p.Asn2408Ser). This variant is not present in population databases (gnomAD no frequency). This variant has not been reported in the literature in individuals affected with APC-related conditions. ClinVar contains an entry for this variant (Variation ID: 438888). Invitae Evidence Modeling of protein sequence and biophysical properties (such as structural, functional, and spatial information, amino acid conservation, physicochemical variation, residue mobility, and thermodynamic stability) indicates that this missense variant is not expected to disrupt APC protein function with a negative predictive value of 95%. In summary, the available evidence is currently insufficient to determine the role of this variant in disease. Therefore, it has been classified as a Variant of Uncertain Significance.

Ambry Genetics
Classification: Uncertain significance for Hereditary cancer-predisposing syndrome. Last evaluated: 2025-07-08. Review status: criteria provided, single submitter. Criteria: Ambry Variant Classification Scheme 2023. Collection method: clinical testing. Allele origin: germline.
Comment: The p.N2408S variant (also known as c.7223A>G), located in coding exon 15 of the APC gene, results from an A to G substitution at nucleotide position 7223. The asparagine at codon 2408 is replaced by serine, an amino acid with highly similar properties. This amino acid position is not well conserved in available vertebrate species. In addition, in silico predictors for this gene do not accurately predict pathogenicity. Missense alterations in APC are not a common cause of disease (Spier I et al. Genet Med. 2024 Feb;26(2):100992). Based on the available evidence, the clinical significance of this variant remains unclear.

Quest Diagnostics Nichols Institute San Juan Capistrano
Classification: Uncertain significance. Last evaluated: 2016-11-17. Review status: criteria provided, single submitter. Criteria: Quest Diagnostics criteria. Collection method: clinical testing. Allele origin: germline.